The following is an entry in ClinVar:

NM_002336.3(LRP6):c.1477A>G (p.Asn493Asp)

Gene: LRP6 (LDL receptor related protein 6; minus strand). Cytogenetic location: 12p13.2.
Variant type: single nucleotide variant.
Coding change: c.1477A>G on transcript NM_002336.3 (MANE Select); coding-DNA position 1477, A replaced by G.
Protein change: p.Asn493Asp; replaces asparagine 493 with aspartic acid.
Molecular consequence: missense variant. On other transcripts: non-coding transcript variant (1).
Genome position (GRCh38, 1-based): chr12:12,179,878, T>C on the plus strand (A>G on the coding strand, the complement: LRP6 is on the minus strand). VCF-style: chr12-12179878-T-C. GRCh37 (hg19) VCF-style: chr12-12332812-T-C.
Other names: c.1477A>G, p.Asn493Asp (NM_001414244.1, NM_001414245.1, NM_001414246.1 and 5 more transcripts); c.1279A>G, p.Asn427Asp (NM_001414247.1); c.1024A>G, p.Asn342Asp (NM_001414252.1, NM_001414253.1, NM_001414254.1); short protein forms N427D, N342D, N493D.
Identifiers: ClinVar variation 4992090 (VCV004992090.1).

ClinVar aggregate classification (germline): Uncertain significance (1 of 4 stars; one submission).

Conditions:
LRP6-related disorder. Also called: LRP6-related condition.

gnomAD v4.1: 3 of 1,613,842 alleles (0.00019%); highest among the groups gnomAD compares: Non-Finnish European, 0.00025%; no homozygotes.

Submission:

PreventionGenetics, part of Exact Sciences
Classification: Uncertain significance for LRP6-related condition. Last evaluated: 2025-11-12. Review status: criteria provided, single submitter. Criteria: ACMG Guidelines, 2015. Collection method: clinical testing. Allele origin: germline.
Comment: The LRP6 c.1477A>G variant is predicted to result in the amino acid substitution p.Asn493Asp. To our knowledge, this variant has not been reported in the literature. This variant is reported in 0.0015% of alleles in individuals of European (Non-Finnish) descent in gnomAD. At this time, the clinical significance of this variant is uncertain due to the absence of conclusive functional and genetic evidence.